The following is an entry in ClinVar:

ClinVar aggregate classification (somatic clinical impact): Tier II - Potential (1 of 4 stars; one submission).

Conditions:
Diffuse pediatric-type high-grade glioma, H3-wildtype and IDH-wildtype. Identifiers: MedGen C5669918, MONDO:0858939.

Submission:

Institute for Genomic Medicine (IGM) Clinical Laboratory, Nationwide Children's Hospital
Classification: Tier II - Potential for Diffuse pediatric-type high-grade glioma, H3-wildtype and IDH-wildtype. Assertion type: diagnostic. Clinical significance: supports diagnosis. Last evaluated: 2022-11-07. Review status: criteria provided, single submitter. Criteria: AMP/ASCO/CAP Guidelines, 2017. Collection method: clinical testing. Allele origin: somatic. Affected: yes.
Comment: Variant has Tier II (potential) clinical significance as a diagnostic inclusion criterion in diffuse pediatric-type high-grade glioma, H3-wildtype and IDH-wildtype, based on the following evidence: 1) Diagnostic significance based on multiple small studies (Evidence Level C; PMIDs: 24705251, 28912153).

Literature cited by the submitters: PubMed 24705251; PubMed 28912153.

NM_001379451.1(BCORL1):c.1919dup (p.Thr641fs)

Gene: BCORL1 (BCL6 corepressor like 1; plus strand). Cytogenetic location: Xq26.1.
Variant type: Duplication.
Coding change: c.1919dup on transcript NM_001379451.1 (MANE Select); coding-DNA position 1919, one base duplicated (A; older notation c.1919dupA).
Protein change: p.Thr641fs; shifts the reading frame from threonine 641.
Molecular consequence: frameshift variant.
Genome position (GRCh38, 1-based): chrX:130,014,691, A duplicated; the last of 2 consecutive A bases (chrX:130,014,690-130,014,691); duplicating either gives the same sequence. VCF-style (leftmost placement, unchanged base first): chrX-130014689-C-CA. GRCh37 (hg19) VCF-style: chrX-129148665-C-CA.
Other names: c.1919dup, p.Thr641fs (NM_001184772.3, NM_001379450.1, NM_001441326.1 and 7 more transcripts); short protein forms T641fs.
Identifiers: ClinVar variation 4530163 (VCV004530163.1).